The following is an entry in ClinVar:

ClinVar aggregate classification (germline): Uncertain significance (1 of 4 stars; one submission).

Conditions:
Familial encephalopathy with neuroserpin inclusion bodies. Also called: ENCEPHALOPATHY, FAMILIAL, WITH COLLINS BODIES. Identifiers: Orphanet 85110, MedGen C1858680, MONDO:0011412, OMIM 604218.

Submission:

Labcorp Genetics (formerly Invitae), Labcorp
Classification: Uncertain significance for Familial encephalopathy with neuroserpin inclusion bodies. Last evaluated: 2024-04-13. Review status: criteria provided, single submitter. Criteria: Invitae Variant Classification Sherloc (09022015). Collection method: clinical testing. Allele origin: germline.
Comment: This sequence change replaces threonine, which is neutral and polar, with alanine, which is neutral and non-polar, at codon 387 of the SERPINI1 protein (p.Thr387Ala). This variant is not present in population databases (gnomAD no frequency). This variant has not been reported in the literature in individuals affected with SERPINI1-related conditions. An algorithm developed to predict the effect of missense changes on protein structure and function (PolyPhen-2) suggests that this variant is likely to be tolerated. In summary, the available evidence is currently insufficient to determine the role of this variant in disease. Therefore, it has been classified as a Variant of Uncertain Significance.

NM_001122752.2(SERPINI1):c.1159A>G (p.Thr387Ala)

Gene: SERPINI1 (serpin family I member 1; plus strand). Cytogenetic location: 3q26.1.
Variant type: single nucleotide variant.
Coding change: c.1159A>G on transcript NM_001122752.2 (MANE Select); coding-DNA position 1159, A replaced by G.
Protein change: p.Thr387Ala; replaces threonine 387 with alanine.
Molecular consequence: missense variant.
Genome position (GRCh38, 1-based): chr3:167,825,249, A>G. VCF-style: chr3-167825249-A-G. GRCh37 (hg19) VCF-style: chr3-167543037-A-G.
Other names: c.1159A>G, p.Thr387Ala (NM_005025.5); short protein forms T387A.
Identifiers: ClinVar variation 3649743 (VCV003649743.2).